The following is an entry in ClinVar:

NM_001122764.3(PPOX):c.1404_1407del (p.Val470fs)

Gene: PPOX (protoporphyrinogen oxidase; plus strand). Cytogenetic location: 1q23.3.
Variant type: Microsatellite.
Coding change: c.1404_1407del on transcript NM_001122764.3 (MANE Select); coding-DNA positions 1404 to 1407, 4 bases deleted (CAGT; older notation c.1404_1407delCAGT).
Protein change: p.Val470fs; shifts the reading frame from valine 470.
Molecular consequence: frameshift variant.
Genome position (GRCh38, 1-based): chr1:161,171,146-161,171,149, CAGT deleted; deleting any 4 consecutive bases within chr1:161,171,142-161,171,149 gives the same sequence; the c. name uses the placement nearest the transcript's 3' end. VCF-style (leftmost placement, unchanged base first): chr1-161171141-GCAGT-G. GRCh37 (hg19) VCF-style: chr1-161140931-GCAGT-G.
Other names: c.1404_1407del, p.Val470fs (NM_000309.5, NM_001365398.1); c.1305_1308del, p.Val437fs (NM_001350128.2); c.996_999del, p.Val334fs (NM_001350129.2, NM_001365400.1); c.918_921del, p.Val308fs (NM_001350130.2, NM_001350131.2, NM_001365401.1); c.1293_1296del, p.Val433fs (NM_001365399.1); short protein forms V308fs, V334fs, V433fs, V437fs, V470fs.
Identifiers: ClinVar variation 4891443 (VCV004891443.1).

ClinVar aggregate classification (germline): Uncertain significance (1 of 4 stars; one submission).

Submission:

GeneDx
Classification: Uncertain significance. Last evaluated: 2026-01-29. Review status: criteria provided, single submitter. Criteria: GeneDx Variant Classification Process June 2021. Collection method: clinical testing. Allele origin: germline.
Comment: Frameshift variant predicted to result in abnormal protein length as the last 8 amino acids are replaced with an uncertain number of different amino acids; Has not been previously published as pathogenic or benign to our knowledge